The following is an entry in ClinVar:

ClinVar aggregate classification (germline): Uncertain significance (1 of 4 stars; one submission).

Submission:

GeneDx
Classification: Uncertain significance. Last evaluated: 2025-06-02. Review status: criteria provided, single submitter. Criteria: GeneDx Variant Classification Process June 2021. Collection method: clinical testing. Allele origin: germline. Affected: yes.
Comment: Not observed at significant frequency in large population cohorts (gnomAD); In silico analysis supports that this missense variant has a deleterious effect on protein structure/function; Has not been previously published as pathogenic or benign to our knowledge

NM_002709.3(PPP1CB):c.590C>A (p.Thr197Lys)

Gene: PPP1CB (protein phosphatase 1 catalytic subunit beta; plus strand). Cytogenetic location: 2p23.2.
Variant type: single nucleotide variant.
Coding change: c.590C>A on transcript NM_002709.3 (MANE Select); coding-DNA position 590, C replaced by A.
Protein change: p.Thr197Lys; replaces threonine 197 with lysine.
Molecular consequence: missense variant.
Genome position (GRCh38, 1-based): chr2:28,783,976, C>A. VCF-style: chr2-28783976-C-A. GRCh37 (hg19) VCF-style: chr2-29006842-C-A.
Other names: c.590C>A, p.Thr197Lys (NM_206876.2); short protein forms T197K.
Identifiers: ClinVar variation 4536400 (VCV004536400.1).